The following is an entry in ClinVar:

NM_014423.4(AFF4):c.2174G>C (p.Arg725Thr)

Gene: AFF4 (ALF transcription elongation factor 4; minus strand). Cytogenetic location: 5q31.1.
Variant type: single nucleotide variant.
Coding change: c.2174G>C on transcript NM_014423.4 (MANE Select); coding-DNA position 2174, G replaced by C.
Protein change: p.Arg725Thr; replaces arginine 725 with threonine.
Molecular consequence: missense variant.
Genome position (GRCh38, 1-based): chr5:132,896,456, C>G on the plus strand (G>C on the coding strand, the complement: AFF4 is on the minus strand). VCF-style: chr5-132896456-C-G. GRCh37 (hg19) VCF-style: chr5-132232148-C-G.
Other names: c.2174G>C (NM_014423.3); short protein forms R725T.
Identifiers: ClinVar variation 1529753 (VCV001529753.10), dbSNP rs138811630, ClinGen allele CA3408996.

ClinVar aggregate classification (germline): Likely benign. Review status: criteria provided, single submitter (1 of 4 stars). 2 submissions from 2 submitters: Likely benign (1). 1 of the submissions does not count toward it. Last evaluated 2025-07-28.

Conditions:
AFF4-related disorder. Also called: AFF4-related condition.
Cognitive impairment - coarse facies - heart defects - obesity - pulmonary involvement - short stature - skeletal dysplasia syndrome. Also called: COGNITIVE IMPAIRMENT, COARSE FACIES, HEART DEFECTS, OBESITY, PULMONARY INVOLVEMENT, SHORT STATURE, AND SKELETAL DYSPLASIA; AFF4-Related CHOPS Syndrome; Chops syndrome. Identifiers: Orphanet 444077, MedGen C4085597, MONDO:0014609, OMIM 616368.

Allele frequency attached by ClinVar (database versions not stated): ExAC 0.00013; 1000 Genomes Project 30x 0.00031; 1000 Genomes Project 0.00040; ESP Exome Variant Server 0.00062.
gnomAD v4.1: 122 of 1,614,208 alleles (0.0076%); highest among the groups gnomAD compares: African/African-American, 0.15%; no homozygotes.

Submissions (2):

Labcorp Genetics (formerly Invitae), Labcorp
Classification: Likely benign for Cognitive impairment - coarse facies - heart defects - obesity - pulmonary involvement - short stature - skeletal dysplasia syndrome. Last evaluated: 2025-07-28. Review status: criteria provided, single submitter. Criteria: Invitae Variant Classification Sherloc (09022015). Collection method: clinical testing. Allele origin: germline.

PreventionGenetics, part of Exact Sciences
Classification: Likely benign for AFF4-related condition. Last evaluated: 2022-03-23. Review status: no assertion criteria provided. Collection method: clinical testing. Allele origin: germline. Not counted in ClinVar's aggregate classification.
Comment: This variant is classified as likely benign based on ACMG/AMP sequence variant interpretation guidelines (Richards et al. 2015 PMID: 25741868, with internal and published modifications).